The following is an entry in ClinVar:

NM_001080517.3(SETD5):c.1117A>T (p.Ile373Phe)

Gene: SETD5 (SET domain containing 5; plus strand). Cytogenetic location: 3p25.3.
Variant type: single nucleotide variant.
Coding change: c.1117A>T on transcript NM_001080517.3 (MANE Select); coding-DNA position 1117, A replaced by T.
Protein change: p.Ile373Phe; replaces isoleucine 373 with phenylalanine.
Molecular consequence: missense variant.
Genome position (GRCh38, 1-based): chr3:9,443,347, A>T. VCF-style: chr3-9443347-A-T. GRCh37 (hg19) VCF-style: chr3-9485031-A-T.
Other names: c.823A>T, p.Ile275Phe (NM_001292043.2, NM_001349451.2); short protein forms I275F, I373F.
Identifiers: ClinVar variation 3906724 (VCV003906724.1).
Genomic context (GRCh38, chr3:9,443,347, plus strand): 5'-ACCAGAAGCCTTTTCACACAGGTGCGACACATGATTGCAGATGGGATGATTCACCTGTGC[A>T]TCTATGCTGTGTCTGCCATCACCAAGGATGCTGAGGTCACCATAGCATTTGATTATGAGT-3'
Protein context (NP_001073986.1, residues 363-383): MIADGMIHLC[Ile373Phe]YAVSAITKDA

ClinVar aggregate classification (germline): Uncertain significance (1 of 4 stars; one submission).

Submission:

GeneDx
Classification: Uncertain significance. Last evaluated: 2024-12-18. Review status: criteria provided, single submitter. Criteria: GeneDx Variant Classification Process June 2021. Collection method: clinical testing. Allele origin: germline. Affected: yes.
Comment: Not observed at significant frequency in large population cohorts (gnomAD); In silico analysis supports that this missense variant has a deleterious effect on protein structure/function; Has not been previously published as pathogenic or benign to our knowledge